The following is an entry in ClinVar:

ClinVar aggregate classification (germline): Uncertain significance. Review status: criteria provided, multiple submitters, no conflicts (2 of 4 stars). 2 submissions from 2 submitters: Uncertain significance (2). Last evaluated 2025-05-27.

Allele frequency attached by ClinVar (database versions not stated): gnomAD exomes below 0.00001.
gnomAD v4.1: 4 of 1,614,236 alleles (0.00025%); highest among the groups gnomAD compares: Non-Finnish European, 0.00034%; no homozygotes.

Submissions (2):

Labcorp Genetics (formerly Invitae), Labcorp
Classification: Uncertain significance. Last evaluated: 2025-05-27. Review status: criteria provided, single submitter. Criteria: Invitae Variant Classification Sherloc (09022015). Collection method: clinical testing. Allele origin: germline.
Comment: This sequence change replaces proline, which is neutral and non-polar, with histidine, which is basic and polar, at codon 360 of the BUB1 protein (p.Pro360His). This variant is present in population databases (no rsID available, gnomAD 0.0009%). This variant has not been reported in the literature in individuals affected with BUB1-related conditions. ClinVar contains an entry for this variant (Variation ID: 1785677). Experimental studies and prediction algorithms are not available or were not evaluated, and the functional significance of this variant is currently unknown. In summary, the available evidence is currently insufficient to determine the role of this variant in disease. Therefore, it has been classified as a Variant of Uncertain Significance.

Ambry Genetics
Classification: Uncertain significance. Last evaluated: 2023-12-16. Review status: criteria provided, single submitter. Criteria: Ambry Variant Classification Scheme 2023. Collection method: clinical testing. Allele origin: germline.
Comment: The p.P360H variant (also known as c.1079C>A), located in coding exon 10 of the BUB1 gene, results from a C to A substitution at nucleotide position 1079. The proline at codon 360 is replaced by histidine, an amino acid with similar properties. This amino acid position is conserved. In addition, this alteration is predicted to be tolerated by in silico analysis. Since supporting evidence is limited at this time, the clinical significance of this alteration remains unclear.

NM_004336.5(BUB1):c.1079C>A (p.Pro360His)

Gene: BUB1 (BUB1 mitotic checkpoint serine/threonine kinase; minus strand). Cytogenetic location: 2q13.
Variant type: single nucleotide variant.
Coding change: c.1079C>A on transcript NM_004336.5 (MANE Select); coding-DNA position 1079, C replaced by A.
Protein change: p.Pro360His; replaces proline 360 with histidine.
Molecular consequence: missense variant.
Genome position (GRCh38, 1-based): chr2:110,661,720, G>T on the plus strand (C>A on the coding strand, the complement: BUB1 is on the minus strand). VCF-style: chr2-110661720-G-T. GRCh37 (hg19) VCF-style: chr2-111419297-G-T.
Other names: c.1019C>A, p.Pro340His (NM_001278616.2); c.1079C>A, p.Pro360His (NM_001278617.2); short protein forms P360H, P340H.
Identifiers: ClinVar variation 1785677 (VCV001785677.3), dbSNP rs1484869107, ClinGen allele CA348214454.